The following is an entry in ClinVar:

ClinVar aggregate classification (germline): Uncertain significance (1 of 4 stars; one submission).

gnomAD v4.1: 2 of 1,613,236 alleles (0.00012%); highest among the groups gnomAD compares: Admixed American, 0.0033%; no homozygotes.

Submission:

Labcorp Genetics (formerly Invitae), Labcorp
Classification: Uncertain significance. Last evaluated: 2022-07-02. Review status: criteria provided, single submitter. Criteria: Invitae Variant Classification Sherloc (09022015). Collection method: clinical testing. Allele origin: germline.
Comment: This sequence change replaces arginine, which is basic and polar, with proline, which is neutral and non-polar, at codon 1060 of the COL18A1 protein (p.Arg1060Pro). This variant is present in population databases (rs781308033, gnomAD 0.006%). This variant has not been reported in the literature in individuals affected with COL18A1-related conditions. ClinVar contains an entry for this variant (Variation ID: 1509244). Experimental studies and prediction algorithms are not available or were not evaluated, and the functional significance of this variant is currently unknown. In summary, the available evidence is currently insufficient to determine the role of this variant in disease. Therefore, it has been classified as a Variant of Uncertain Significance.

NM_001379500.1(COL18A1):c.3188G>C (p.Arg1063Pro)

Genes: COL18A1 (collagen type XVIII alpha 1 chain; plus strand), SLC19A1 (solute carrier family 19 member 1; minus strand). Cytogenetic location: 21q22.3.
Variant type: single nucleotide variant.
Coding change: c.3188G>C on transcript NM_001379500.1 (MANE Select); coding-DNA position 3188, G replaced by C.
Protein change: p.Arg1063Pro; replaces arginine 1063 with proline.
Molecular consequence: missense variant.
Genome position (GRCh38, 1-based): chr21:45,505,938, G>C. VCF-style: chr21-45505938-G-C. GRCh37 (hg19) VCF-style: chr21-46925852-G-C.
Other names: c.3719G>C, p.Arg1240Pro (NM_030582.4); c.4424G>C, p.Arg1475Pro (NM_130444.3); short protein forms R1063P, R1475P, R1240P.
Identifiers: ClinVar variation 1509244 (VCV001509244.3), dbSNP rs781308033, ClinGen allele CA10067742.
Genomic context (GRCh38, chr21:45,505,938, plus strand): 5'-TGCACGAGGTTCCCGAGGGCTGGCTCATCTTCGTGGCCGAGCAGGAGGAGCTCTACGTCC[G>C]CGTGCAGAACGGGTTCCGGAAGGTCCAGGTGAGCGCTCTGTGTGACGGGTTCTGGACCCG-3'
Protein context (NP_001366429.1, residues 1053-1073): FVAEQEELYV[Arg1063Pro]VQNGFRKVQL